The following is an entry in ClinVar:

NM_000218.3(KCNQ1):c.1393+32343C>T

Genes: KCNQ1 (potassium voltage-gated channel subfamily Q member 1; plus strand), KCNQ1OT1 (KCNQ1 opposite strand/antisense transcript 1; minus strand). Cytogenetic location: 11p15.5.
Variant type: single nucleotide variant.
Coding change: c.1393+32343C>T on transcript NM_000218.3 (MANE Select); 32343 bases into the intron after coding-DNA position 1393, C replaced by T.
Molecular consequence: intron variant. On other transcripts: non-coding transcript variant (1).
Genome position (GRCh38, 1-based): chr11:2,621,197, C>T. VCF-style: chr11-2621197-C-T. GRCh37 (hg19) VCF-style: chr11-2642427-C-T.
Other names: c.1123+32343C>T (NM_001406837.1); c.1297+32343C>T (NM_001406836.1); c.853+32343C>T (NM_001406838.1); c.1012+32343C>T (NM_181798.2).
Identifiers: ClinVar variation 3058008 (VCV003058008.4), dbSNP rs551357125, ClinGen allele CA216362590.

ClinVar aggregate classification (germline): Likely benign. Review status: criteria provided, single submitter (1 of 4 stars). 2 submissions from 2 submitters: Likely benign (1). 1 of the submissions does not count toward it. Last evaluated 2026-06-01.

Conditions:
KCNQ1-related disorder. Also called: KCNQ1-related disorders; KCNQ1-related condition. Identifiers: MedGen CN239322.

Allele frequency attached by ClinVar (database versions not stated): gnomAD exomes 0.00005; gnomAD 0.00012; TOPMed 0.00020; 1000 Genomes Project 0.00080; 1000 Genomes Project 30x 0.00141.
gnomAD v4.1: 35 of 397,550 alleles (0.0088%); highest among the groups gnomAD compares: South Asian, 0.13%; no homozygotes.

Submissions (2):

CeGaT Center for Human Genetics Tuebingen
Classification: Likely benign. Last evaluated: 2026-06-01. Review status: criteria provided, single submitter. Criteria: CeGaT Center For Human Genetics Tuebingen Variant Classification Criteria Version 2. Collection method: clinical testing. Allele origin: germline. Affected: yes. Observed: 1 variant allele.
Comment: KCNQ1OT1: BS1

PreventionGenetics, part of Exact Sciences
Classification: Likely benign for KCNQ1-related condition. Last evaluated: 2022-02-28. Review status: no assertion criteria provided. Collection method: clinical testing. Allele origin: germline. Not counted in ClinVar's aggregate classification.
Comment: This variant is classified as likely benign based on ACMG/AMP sequence variant interpretation guidelines (Richards et al. 2015 PMID: 25741868, with internal and published modifications).